The following is an entry in ClinVar:

ClinVar aggregate classification (germline): Uncertain significance (1 of 4 stars; one submission).

Conditions:
Mitochondrial complex V (ATP synthase) deficiency, nuclear type 2. Also called: Nuclear-Encoded ATPase Deficiency, TMEM70-Related; ENCEPHALOCARDIOMYOPATHY, MITOCHONDRIAL, NEONATAL, DUE TO ATP SYNTHASE DEFICIENCY; MITOCHONDRIAL COMPLEX V (ATP SYNTHASE) DEFICIENCY, TMEM70 TYPE. Identifiers: Orphanet 1194, MedGen C3279699, MONDO:0013546, OMIM 614052.

Submission:

Labcorp Genetics (formerly Invitae), Labcorp
Classification: Uncertain significance for Mitochondrial complex V (ATP synthase) deficiency, nuclear type 2. Last evaluated: 2022-07-23. Review status: criteria provided, single submitter. Criteria: Invitae Variant Classification Sherloc (09022015). Collection method: clinical testing. Allele origin: germline.
Comment: This sequence change replaces threonine, which is neutral and polar, with arginine, which is basic and polar, at codon 127 of the TMEM70 protein (p.Thr127Arg). This variant is not present in population databases (gnomAD no frequency). This variant has not been reported in the literature in individuals affected with TMEM70-related conditions. Algorithms developed to predict the effect of missense changes on protein structure and function (SIFT, PolyPhen-2, Align-GVGD) all suggest that this variant is likely to be tolerated. In summary, the available evidence is currently insufficient to determine the role of this variant in disease. Therefore, it has been classified as a Variant of Uncertain Significance.

NM_017866.6(TMEM70):c.380C>G (p.Thr127Arg)

Gene: TMEM70 (transmembrane protein 70; plus strand). Cytogenetic location: 8q21.11.
Variant type: single nucleotide variant.
Coding change: c.380C>G on transcript NM_017866.6 (MANE Select); coding-DNA position 380, C replaced by G.
Protein change: p.Thr127Arg; replaces threonine 127 with arginine.
Molecular consequence: missense variant. On other transcripts: 3 prime UTR variant (1), non-coding transcript variant (1).
Genome position (GRCh38, 1-based): chr8:73,981,218, C>G. VCF-style: chr8-73981218-C-G. GRCh37 (hg19) VCF-style: chr8-74893453-C-G.
Other names: c.*70C>G (NM_001040613.3); short protein forms T127R.
Identifiers: ClinVar variation 1713449 (VCV001713449.3), dbSNP rs2536395751, ClinGen allele CA371489863.